The following is an entry in ClinVar:

NM_000454.5(SOD1):c.112G>C (p.Gly38Arg)

Gene: SOD1 (superoxide dismutase 1; plus strand). Cytogenetic location: 21q22.11.
Variant type: single nucleotide variant.
Coding change: c.112G>C on transcript NM_000454.5 (MANE Select); coding-DNA position 112, G replaced by C.
Protein change: p.Gly38Arg; replaces glycine 38 with arginine.
Molecular consequence: missense variant.
Genome position (GRCh38, 1-based): chr21:31,663,829, G>C. VCF-style: chr21-31663829-G-C. GRCh37 (hg19) VCF-style: chr21-33036142-G-C.
Other names: short protein forms G38R.
Identifiers: ClinVar variation 549678 (VCV000549678.6), dbSNP rs121912431, ClinGen allele CA410036643.

ClinVar aggregate classification (germline): Pathogenic. Review status: criteria provided, multiple submitters, no conflicts (2 of 4 stars). 3 submissions from 3 submitters: Pathogenic (2). 1 of the submissions does not count toward it. Last evaluated 2021-12-25.

Conditions:
Amyotrophic lateral sclerosis type 1 (ALS1). Also called: AMYOTROPHIC LATERAL SCLEROSIS 1, FAMILIAL. Identifiers: Orphanet 803, MedGen C1862939, MONDO:0007103, OMIM 105400.

Submissions (3):

Labcorp Genetics (formerly Invitae), Labcorp
Classification: Pathogenic for Amyotrophic lateral sclerosis type 1. Last evaluated: 2021-12-25. Review status: criteria provided, single submitter. Criteria: Invitae Variant Classification Sherloc (09022015). Collection method: clinical testing. Allele origin: germline.
Comment: Advanced modeling of protein sequence and biophysical properties (such as structural, functional, and spatial information, amino acid conservation, physicochemical variation, residue mobility, and thermodynamic stability) performed at Invitae indicates that this missense variant is expected to disrupt SOD1 protein function. For these reasons, this variant has been classified as Pathogenic. ClinVar contains an entry for this variant (Variation ID: 549678). This sequence change replaces glycine, which is neutral and non-polar, with arginine, which is basic and polar, at codon 38 of the SOD1 protein (p.Gly38Arg). This variant is not present in population databases (gnomAD no frequency). This missense change has been observed in individuals with amyotrophic lateral sclerosis (PMID: 16674979, 31788332). It has also been observed to segregate with disease in related individuals. This variant is also known as p.Gly37Arg.

Suna and Inan Kirac Foundation Neurodegeneration Research Laboratory, Koc University
Classification: Pathogenic for Amyotrophic lateral sclerosis type 1. Last evaluated: 2020-03-31. Review status: criteria provided, single submitter. Criteria: ACMG Guidelines, 2015. Collection method: research. Allele origin: germline. Affected: yes. Observed: 1 variant allele.

Institute of Human Genetics, Cologne University
Classification: Pathogenic for Amyotrophic lateral sclerosis type 1. Last evaluated: 2018-04-25. Review status: no assertion criteria provided. Collection method: clinical testing. Allele origin: unknown. Affected: yes. Not counted in ClinVar's aggregate classification.

Literature cited by the submitters: PubMed 16674979 (cited by Labcorp Genetics (formerly Invitae), Labcorp); PubMed 31788332 (cited by Labcorp Genetics (formerly Invitae), Labcorp).